The following is an entry in ClinVar:

ClinVar aggregate classification (germline): Conflicting classifications of pathogenicity. Review status: criteria provided, conflicting classifications (1 of 4 stars). 5 submissions from 5 submitters: Uncertain significance (3); Likely benign (2). Last evaluated 2026-03-27.

Conditions:
Hereditary cancer-predisposing syndrome. Also called: Tumor predisposition; Hereditary Cancer Syndrome; Hereditary neoplastic syndrome; Neoplastic Syndromes, Hereditary. Identifiers: Orphanet 140162, MedGen C0027672, MeSH D009386, MONDO:0015356.
Hereditary breast ovarian cancer syndrome. Also called: Hereditary breast and ovarian cancer syndrome (HBOC); Breast and ovarian cancer; Hereditary breast and ovarian cancer; Hereditary breast and ovarian cancer syndrome; BRCA1- and BRCA2-Associated Hereditary Breast and Ovarian Cancer; Hereditary breast and/or ovarian cancer syndrome. Identifiers: Orphanet 145, MedGen C0677776, MeSH D061325, MONDO:0003582. Disease mechanism: loss of function.

Allele frequency attached by ClinVar (database versions not stated): gnomAD 0.00001.
gnomAD v4.1: 3 of 1,613,734 alleles (0.00019%); highest among the groups gnomAD compares: Non-Finnish European, 0.00025%; no homozygotes.

Submissions (5):

Women's Health and Genetics/Laboratory Corporation of America, LabCorp
Classification: Uncertain significance. Last evaluated: 2026-03-27. Review status: criteria provided, single submitter. Criteria: LabCorp Variant Classification Summary - May 2015. Collection method: clinical testing. Allele origin: germline.
Comment: Variant summary: BRCA2 c.10238C>A (p.Thr3413Lys) results in a non-conservative amino acid change in the encoded protein sequence. Algorithms developed to predict the effect of missense changes on protein structure and function are either unavailable or do not agree on the potential impact of this missense change. The variant was absent in 250592 control chromosomes. The available data on variant occurrences in the general population are insufficient to allow any conclusion about variant significance. To our knowledge, no occurrence of c.10238C>A in individuals affected with BRCA2-related conditions and no experimental evidence demonstrating its impact on protein function have been reported. ClinVar contains an entry for this variant (Variation ID: 441516). Based on the evidence outlined above, the variant was classified as uncertain significance.

Labcorp Genetics (formerly Invitae), Labcorp
Classification: Uncertain significance for Hereditary breast ovarian cancer syndrome. Last evaluated: 2024-09-09. Review status: criteria provided, single submitter. Criteria: Invitae Variant Classification Sherloc (09022015). Collection method: clinical testing. Allele origin: germline.
Comment: This sequence change replaces threonine, which is neutral and polar, with lysine, which is basic and polar, at codon 3413 of the BRCA2 protein (p.Thr3413Lys). This variant is present in population databases (no rsID available, gnomAD 0.007%). This variant has not been reported in the literature in individuals affected with BRCA2-related conditions. ClinVar contains an entry for this variant (Variation ID: 441516). Invitae Evidence Modeling of protein sequence and biophysical properties (such as structural, functional, and spatial information, amino acid conservation, physicochemical variation, residue mobility, and thermodynamic stability) indicates that this missense variant is not expected to disrupt BRCA2 protein function with a negative predictive value of 95%. In summary, the available evidence is currently insufficient to determine the role of this variant in disease. Therefore, it has been classified as a Variant of Uncertain Significance.

Quest Diagnostics Nichols Institute San Juan Capistrano
Classification: Uncertain significance. Last evaluated: 2024-06-07. Review status: criteria provided, single submitter. Criteria: Quest Diagnostics criteria. Collection method: clinical testing. Allele origin: unknown.
Comment: The BRCA2 c.10238C>A (p.Thr3413Lys) variant has not been reported in individuals with BRCA2-related conditions in the published literature. The frequency of this variant in the general population, 0.000032 (1/31378 chromosomes (Genome Aggregation Database)), is uninformative in the assessment of its pathogenicity. Analysis of this variant using bioinformatics tools for the prediction of the effect of amino acid changes on protein structure and function yielded predictions that this variant is benign. Based on the available information, we are unable to determine the clinical significance of this variant.

Ambry Genetics
Classification: Likely benign for Hereditary cancer-predisposing syndrome. Last evaluated: 2024-03-05. Review status: criteria provided, single submitter. Criteria: Ambry Variant Classification Scheme 2023. Collection method: clinical testing. Allele origin: germline.

Color Diagnostics, LLC DBA Color Health
Classification: Likely benign for Hereditary cancer-predisposing syndrome. Last evaluated: 2016-06-28. Review status: criteria provided, single submitter. Criteria: ACMG Guidelines, 2015. Collection method: clinical testing. Allele origin: germline.

Literature cited by the submitters: PubMed 31911673 (cited by Quest Diagnostics Nichols Institute San Juan Capistrano); PubMed 30702160 (cited by Quest Diagnostics Nichols Institute San Juan Capistrano).

NM_000059.4(BRCA2):c.10238C>A (p.Thr3413Lys)

Gene: BRCA2 (BRCA2 DNA repair associated; plus strand). Cytogenetic location: 13q13.1.
Variant type: single nucleotide variant.
Coding change: c.10238C>A on transcript NM_000059.4 (MANE Select); coding-DNA position 10238, C replaced by A.
Protein change: p.Thr3413Lys; replaces threonine 3413 with lysine.
Molecular consequence: missense variant.
Genome position (GRCh38, 1-based): chr13:32,398,751, C>A. VCF-style: chr13-32398751-C-A. GRCh37 (hg19) VCF-style: chr13-32972888-C-A.
Other names: short protein forms T3413K.
Identifiers: ClinVar variation 441516 (VCV000441516.21), dbSNP rs730881584, ClinGen allele CA387768618.
Genomic context (GRCh38, chr13:32,398,751, plus strand): 5'-AACAGGAGAGTTCCCAGGCCAGTACGGAAGAATGTGAGAAAAATAAGCAGGACACAATTA[C>A]AACTAAAAAATATATCTAAGCATTTGCAAAGGCGACAATAAATTATTGACGCTTAACCTT-3'
Protein context (NP_000050.3, residues 3403-3418): ECEKNKQDTI[Thr3413Lys]TKKYI